The following is an entry in ClinVar:

ClinVar aggregate classification (germline): Uncertain significance (1 of 4 stars; one submission).

Conditions:
Congenital disorder of glycosylation type 1E (CDG1E). Also called: CONGENITAL DISORDER OF GLYCOSYLATION, TYPE Ie; CDG Ie. Identifiers: Orphanet 79322, MedGen C1837396, MONDO:0012123, OMIM 608799.

Submission:

Labcorp Genetics (formerly Invitae), Labcorp
Classification: Uncertain significance for Congenital disorder of glycosylation type 1E. Last evaluated: 2024-01-22. Review status: criteria provided, single submitter. Criteria: Invitae Variant Classification Sherloc (09022015). Collection method: clinical testing. Allele origin: germline.
Comment: This sequence change replaces methionine, which is neutral and non-polar, with threonine, which is neutral and polar, at codon 211 of the DPM1 protein (p.Met211Thr). This variant is not present in population databases (gnomAD no frequency). This variant has not been reported in the literature in individuals affected with DPM1-related conditions. ClinVar contains an entry for this variant (Variation ID: 2101857). An algorithm developed to predict the effect of missense changes on protein structure and function (PolyPhen-2) suggests that this variant is likely to be tolerated. In summary, the available evidence is currently insufficient to determine the role of this variant in disease. Therefore, it has been classified as a Variant of Uncertain Significance.

NM_003859.3(DPM1):c.632T>C (p.Met211Thr)

Genes: ADNP-AS1 (ADNP antisense RNA 1; plus strand), DPM1 (dolichyl-phosphate mannosyltransferase subunit 1, catalytic; minus strand). Cytogenetic location: 20q13.13.
Variant type: single nucleotide variant.
Coding change: c.632T>C on transcript NM_003859.3 (MANE Select); coding-DNA position 632, T replaced by C.
Protein change: p.Met211Thr; replaces methionine 211 with threonine.
Molecular consequence: missense variant. On other transcripts: non-coding transcript variant (1).
Genome position (GRCh38, 1-based): chr20:50,936,194, A>G on the plus strand (T>C on the coding strand, the complement: DPM1 is on the minus strand). VCF-style: chr20-50936194-A-G. GRCh37 (hg19) VCF-style: chr20-49552731-A-G.
Other names: c.737T>C, p.Met246Thr (NM_001317034.1); c.713T>C, p.Met238Thr (NM_001317035.1); c.563T>C, p.Met188Thr (NM_001317036.1); short protein forms M211T, M246T, M188T, M238T.
Identifiers: ClinVar variation 2101857 (VCV002101857.4), dbSNP rs2515701624, ClinGen allele CA408987369.